The following is an entry in ClinVar:

NM_000136.3(FANCC):c.748C>A (p.Leu250Ile)

Genes: FANCC (FA complementation group C; minus strand), AOPEP (aminopeptidase O (putative); plus strand). Cytogenetic location: 9q22.32.
Variant type: single nucleotide variant.
Coding change: c.748C>A on transcript NM_000136.3 (MANE Select); coding-DNA position 748, C replaced by A.
Protein change: p.Leu250Ile; replaces leucine 250 with isoleucine.
Molecular consequence: missense variant.
Genome position (GRCh38, 1-based): chr9:95,135,441, G>T on the plus strand (C>A on the coding strand, the complement: FANCC is on the minus strand). VCF-style: chr9-95135441-G-T. GRCh37 (hg19) VCF-style: chr9-97897723-G-T.
Other names: c.748C>A, p.Leu250Ile (NM_001243743.2, NM_001243744.2); short protein forms L250I.
Identifiers: ClinVar variation 234480 (VCV000234480.27), dbSNP rs778966663, ClinGen allele CA5137638.

ClinVar aggregate classification (germline): Uncertain significance. Review status: criteria provided, multiple submitters, no conflicts (2 of 4 stars). 9 submissions from 9 submitters: Uncertain significance (8). 1 of the submissions does not count toward it. Last evaluated 2025-08-07.

Conditions:
Hereditary cancer-predisposing syndrome. Also called: Hereditary neoplastic syndrome; Hereditary Cancer Syndrome; Neoplastic Syndromes, Hereditary; Tumor predisposition. Identifiers: Orphanet 140162, MedGen C0027672, MeSH D009386, MONDO:0015356.
Fanconi anemia complementation group C (FANCC). Also called: FANCC-Related Fanconi Anemia; FANCONI PANCYTOPENIA, TYPE 3; FACC; Fanconi anemia, group C. Identifiers: Orphanet 84, MedGen C3468041, MONDO:0009213, OMIM 227645.
Fanconi anemia (FA). Also called: Fanconi's anemia. Identifiers: Orphanet 84, MedGen C0015625, MeSH D005199, MONDO:0019391.

Allele frequency attached by ClinVar (database versions not stated): ExAC 0.00001; gnomAD exomes 0.00001; TOPMed 0.00003; gnomAD 0.00004 and 0.00005.
gnomAD v4.1: 25 of 1,613,800 alleles (0.0015%); highest among the groups gnomAD compares: African/African-American, 0.0027%; no homozygotes.

Submissions (9):

Labcorp Genetics (formerly Invitae), Labcorp
Classification: Uncertain significance for Fanconi anemia. Last evaluated: 2025-08-07. Review status: criteria provided, single submitter. Criteria: Invitae Variant Classification Sherloc (09022015). Collection method: clinical testing. Allele origin: germline.
Comment: This sequence change replaces leucine, which is neutral and non-polar, with isoleucine, which is neutral and non-polar, at codon 250 of the FANCC protein (p.Leu250Ile). This variant is present in population databases (rs778966663, gnomAD 0.002%). This variant has not been reported in the literature in individuals affected with FANCC-related conditions. ClinVar contains an entry for this variant (Variation ID: 234480). Invitae Evidence Modeling of protein sequence and biophysical properties (such as structural, functional, and spatial information, amino acid conservation, physicochemical variation, residue mobility, and thermodynamic stability) indicates that this missense variant is expected to disrupt FANCC protein function with a positive predictive value of 80%. In summary, the available evidence is currently insufficient to determine the role of this variant in disease. Therefore, it has been classified as a Variant of Uncertain Significance.

Quest Diagnostics Nichols Institute San Juan Capistrano
Classification: Uncertain significance. Last evaluated: 2025-07-08. Review status: criteria provided, single submitter. Criteria: Quest Diagnostics criteria. Collection method: clinical testing. Allele origin: unknown.
Comment: The FANCC c.748C>A (p.Leu250Ile) variant has been reported in the published literature in individuals with ovarian cancer (PMID: 32546565 (2021)) and breast cancer (PMID: 33471991 (2021), see also LOVD). This variant has also been identified in reportedly unaffected individuals (PMID: 33471991 (2021), see also LOVD). The frequency of this variant in the general population (Genome Aggregation Database) is uninformative in the assessment of its pathogenicity. Analysis of this variant using bioinformatics tools for the prediction of the effect of amino acid changes on protein structure and function yielded conflicting predictions that this variant is benign or damaging. Based on the available information, we are unable to determine the clinical significance of this variant.

Ambry Genetics
Classification: Uncertain significance for Hereditary cancer-predisposing syndrome. Last evaluated: 2025-05-28. Review status: criteria provided, single submitter. Criteria: Ambry Variant Classification Scheme 2023. Collection method: clinical testing. Allele origin: germline.
Comment: The p.L250I variant (also known as c.748C>A), located in coding exon 7 of the FANCC gene, results from a C to A substitution at nucleotide position 748. The leucine at codon 250 is replaced by isoleucine, an amino acid with highly similar properties. This amino acid position is highly conserved in available vertebrate species. In addition, this alteration is predicted to be tolerated by in silico analysis. Since supporting evidence is limited at this time, the clinical significance of this alteration remains unclear.

GeneDx
Classification: Uncertain significance. Last evaluated: 2024-03-05. Review status: criteria provided, single submitter. Criteria: GeneDx Variant Classification Process June 2021. Collection method: clinical testing. Allele origin: germline. Affected: yes.
Comment: Not observed at significant frequency in large population cohorts (gnomAD); In silico analysis supports that this missense variant does not alter protein structure/function; Has not been previously published as pathogenic or benign to our knowledge; This variant is associated with the following publications: (PMID: Gordon2000[Book])

Women's Health and Genetics/Laboratory Corporation of America, LabCorp
Classification: Uncertain significance. Last evaluated: 2021-11-08. Review status: criteria provided, single submitter. Criteria: LabCorp Variant Classification Summary - May 2015. Collection method: clinical testing. Allele origin: germline.

Institute for Clinical Genetics, University Hospital TU Dresden, University Hospital TU Dresden
Classification: Uncertain significance. Last evaluated: 2021-11-03. Review status: criteria provided, single submitter. Criteria: ACMG Guidelines, 2015. Collection method: clinical testing. Allele origin: germline.

Fulgent Genetics
Classification: Uncertain significance for Fanconi anemia complementation group C. Last evaluated: 2021-07-12. Review status: criteria provided, single submitter. Criteria: ACMG Guidelines, 2015. Collection method: clinical testing. Allele origin: unknown.

Genetic Services Laboratory, University of Chicago
Classification: Uncertain significance. Last evaluated: 2020-09-30. Review status: criteria provided, single submitter. Criteria: ACMG Guidelines, 2015. Collection method: clinical testing. Allele origin: germline. Affected: no.
Comment: DNA sequence analysis of the FANCC gene demonstrated a sequence change, c.748C>A, in exon 8 that results in an amino acid change, p.Leu250Ile. This sequence change does not appear to have been previously described in patients with FANCC-related disorders. This sequence change has been described in the gnomAD database with a low overall population frequency of 0.001% and a frequency of 0.002% in non-Finnish European sub group (dbSNP rs778966663). The p.Leu250Ile change affects a highly conserved amino acid residue located in a domain of the FANCC protein that is known to be functional. In-silico pathogenicity prediction tools (SIFT, PolyPhen2, Align GVGD, REVEL) provide contradictory results for the p.Leu250Ile substitution. Due to these contrasting evidences and the lack of functional studies, the clinical significance of the p.Leu250Ile change remains unknown at this time.

Natera, Inc.
Classification: Uncertain significance for Fanconi anemia, group C. Last evaluated: 2020-09-16. Review status: no assertion criteria provided. Collection method: clinical testing. Allele origin: germline. Not counted in ClinVar's aggregate classification.

Literature cited by the submitters: PubMed 33471991 (cited by Quest Diagnostics Nichols Institute San Juan Capistrano); PubMed 32546565 (cited by Quest Diagnostics Nichols Institute San Juan Capistrano).